The following is an entry in ClinVar:

NM_003280.3(TNNC1):c.153C>A (p.Asn51Lys)

Gene: TNNC1 (troponin C1, slow skeletal and cardiac type; minus strand). Cytogenetic location: 3p21.1.
Variant type: single nucleotide variant.
Coding change: c.153C>A on transcript NM_003280.3 (MANE Select); coding-DNA position 153, C replaced by A.
Protein change: p.Asn51Lys; replaces asparagine 51 with lysine.
Molecular consequence: missense variant.
Genome position (GRCh38, 1-based): chr3:52,452,155, G>T on the plus strand (C>A on the coding strand, the complement: TNNC1 is on the minus strand). VCF-style: chr3-52452155-G-T. GRCh37 (hg19) VCF-style: chr3-52486171-G-T.
Other names: c.153C>A (LRG_378t1); short protein forms N51K.
Identifiers: ClinVar variation 373615 (VCV000373615.1), dbSNP rs1057518507, ClinGen allele CA16042521.

ClinVar aggregate classification (germline): Uncertain significance (1 of 4 stars; one submission).

Submission:

GeneDx
Classification: Uncertain significance. Last evaluated: 2016-12-02. Review status: criteria provided, single submitter. Criteria: GeneDx Variant Classification (06012015). Collection method: clinical testing. Allele origin: germline. Affected: yes.
Comment: A variant of uncertain significance has been identified in the TNNC1 gene. The N51K variant has not been published as a pathogenic variant, nor has it been reported as a benign variant to our knowledge. This variant was not observed in approximately 6,500 individuals of European and African American ancestry in the NHLBI Exome Sequencing Project, indicating it is not a common benign variant in these populations. Additionally, N51K is a semi-conservative amino acid substitution, which may impact secondary protein structure as these residues differ in some properties. Furthermore, this substitution occurs at a position that is conserved across species and in silico analysis predicts this variant is probably damaging to the protein structure/function.However, additional evidence is needed to determine whether this variant is pathogenic or benign.